The following is an entry in ClinVar:

ClinVar aggregate classification (germline): Conflicting classifications of pathogenicity. Review status: criteria provided, conflicting classifications (1 of 4 stars). 3 submissions from 3 submitters: Likely pathogenic (1); Uncertain significance (2). Last evaluated 2024-06-25.

Conditions:
Developmental and epileptic encephalopathy 94 (DEE94). Also called: Epileptic encephalopathy, childhood-onset; CHD2-Related Neurodevelopmental Disorders. Identifiers: Orphanet 1942, Orphanet 2382, MedGen C3809278, MONDO:0014150, OMIM 615369.

Allele frequency attached by ClinVar (database versions not stated): gnomAD exomes 0.00001.
gnomAD v4.1: 16 of 1,614,092 alleles (0.00099%); highest among the groups gnomAD compares: Admixed American, 0.0017%; no homozygotes.

Submissions (3):

Labcorp Genetics (formerly Invitae), Labcorp
Classification: Uncertain significance for Developmental and epileptic encephalopathy 94. Last evaluated: 2024-06-25. Review status: criteria provided, single submitter. Criteria: Invitae Variant Classification Sherloc (09022015). Collection method: clinical testing. Allele origin: germline.
Comment: This sequence change replaces leucine, which is neutral and non-polar, with proline, which is neutral and non-polar, at codon 79 of the CHD2 protein (p.Leu79Pro). This variant is present in population databases (no rsID available, gnomAD 0.003%). This variant has not been reported in the literature in individuals affected with CHD2-related conditions. Advanced modeling of protein sequence and biophysical properties (such as structural, functional, and spatial information, amino acid conservation, physicochemical variation, residue mobility, and thermodynamic stability) performed at Invitae indicates that this missense variant is not expected to disrupt CHD2 protein function with a negative predictive value of 95%. In summary, the available evidence is currently insufficient to determine the role of this variant in disease. Therefore, it has been classified as a Variant of Uncertain Significance.

Blueprint Genetics
Classification: Uncertain significance. Last evaluated: 2024-03-02. Review status: criteria provided, single submitter. Criteria: ACMG Guidelines, 2015. Collection method: clinical testing. Allele origin: germline.

Pediatrics, MediClubGeorgia
Classification: Likely pathogenic for Developmental and epileptic encephalopathy 94. Review status: criteria provided, single submitter. Criteria: ACMG Guidelines, 2015. Collection method: clinical testing. Allele origin: germline. Affected: yes. Observed: 1 hemizygote.
Comment: In the gnomAD database, which comprises over 120,000 exomes and more than 15,000 genomes, only one individual is heterozygous for this variant. According to various in silico tools, this variant is predicted to be tolerated by most individuals. POLYPHEN benign; SIFT-tolerated low confidence; MUTTASTER- disease-causing; Nonetheless, the patient's clinical presentation aligns well with CHD2-associated diseases.27993330

NM_001271.4(CHD2):c.236T>C (p.Leu79Pro)

Gene: CHD2 (chromodomain helicase DNA binding protein 2; plus strand). Cytogenetic location: 15q26.1.
Variant type: single nucleotide variant.
Coding change: c.236T>C on transcript NM_001271.4 (MANE Select); coding-DNA position 236, T replaced by C.
Protein change: p.Leu79Pro; replaces leucine 79 with proline.
Molecular consequence: missense variant.
Genome position (GRCh38, 1-based): chr15:92,924,494, T>C. VCF-style: chr15-92924494-T-C. GRCh37 (hg19) VCF-style: chr15-93467724-T-C.
Other names: p.(Leu79Pro); c.236T>C, p.Leu79Pro (NM_001042572.3); short protein forms L79P.
Identifiers: ClinVar variation 2999776 (VCV002999776.6), dbSNP rs1459840646, ClinGen allele CA393896376.
Genomic context (GRCh38, chr15:92,924,494, plus strand): 5'-CTTCTGAGAGTCAGTCGGAATCTGAGAGCGAATCAGCAGGTTCCAAATCCCAGCCAGTCC[T>C]CCCAGAAGCCAAAGAGAAGCCAGCCTCTAAGAAGGAACGGATAGCTGATGTGAAGAAGGT-3'
Protein context (NP_001262.3, residues 69-89): ESAGSKSQPV[Leu79Pro]PEAKEKPASK